The following is an entry in ClinVar:

NM_001134407.3(GRIN2A):c.2386C>A (p.Leu796Ile)

Gene: GRIN2A (glutamate ionotropic receptor NMDA type subunit 2A; minus strand). Cytogenetic location: 16p13.2.
Variant type: single nucleotide variant.
Coding change: c.2386C>A on transcript NM_001134407.3 (MANE Select); coding-DNA position 2386, C replaced by A.
Protein change: p.Leu796Ile; replaces leucine 796 with isoleucine.
Molecular consequence: missense variant.
Genome position (GRCh38, 1-based): chr16:9,769,060, G>T on the plus strand (C>A on the coding strand, the complement: GRIN2A is on the minus strand). VCF-style: chr16-9769060-G-T. GRCh37 (hg19) VCF-style: chr16-9862917-G-T.
Other names: c.2386C>A, p.Leu796Ile (NM_000833.5, NM_001134408.2); short protein forms L796I.
Identifiers: ClinVar variation 2831922 (VCV002831922.3), dbSNP rs2141151325, ClinGen allele CA394710262.
Genomic context (GRCh38, chr16:9,769,060, plus strand): 5'-TGTCAATGTCCAGCTGGCTGCTCATCACCTCGTTCTTCTCGTTGTGGCAGATCCCAGTGA[G>T]CCACAGGGTCTCCAGCTCCTCCATCTCACCTGGACAGATCACAACATTCACAGGCAGTGA-3'
Protein context (NP_001127879.1, residues 786-806): GEMEELETLW[Leu796Ile]TGICHNEKNE

ClinVar aggregate classification (germline): Uncertain significance (1 of 4 stars; one submission).

Conditions:
Landau-Kleffner syndrome (FESD). Also called: EPILEPSY, FOCAL, WITH SPEECH DISORDER AND WITH OR WITHOUT MENTAL RETARDATION; APHASIA, ACQUIRED, WITH EPILEPSY. Identifiers: Orphanet 1945, Orphanet 725, Orphanet 98818, MedGen C0282512, MONDO:0009509, OMIM 245570.

Submission:

Labcorp Genetics (formerly Invitae), Labcorp
Classification: Uncertain significance for Landau-Kleffner syndrome. Last evaluated: 2023-01-25. Review status: criteria provided, single submitter. Criteria: Invitae Variant Classification Sherloc (09022015). Collection method: clinical testing. Allele origin: germline.
Comment: This sequence change replaces leucine, which is neutral and non-polar, with isoleucine, which is neutral and non-polar, at codon 796 of the GRIN2A protein (p.Leu796Ile). In summary, the available evidence is currently insufficient to determine the role of this variant in disease. Therefore, it has been classified as a Variant of Uncertain Significance. Advanced modeling of protein sequence and biophysical properties (such as structural, functional, and spatial information, amino acid conservation, physicochemical variation, residue mobility, and thermodynamic stability) has been performed at Invitae for this missense variant, however the output from this modeling did not meet the statistical confidence thresholds required to predict the impact of this variant on GRIN2A protein function. This variant has not been reported in the literature in individuals affected with GRIN2A-related conditions. This variant is not present in population databases (gnomAD no frequency).